The following is an entry in ClinVar:

NM_001164508.2(NEB):c.19295A>G (p.Gln6432Arg)

Gene: NEB (nebulin; minus strand). Cytogenetic location: 2q23.3.
Variant type: single nucleotide variant.
Coding change: c.19295A>G on transcript NM_001164508.2 (MANE Select); coding-DNA position 19295, A replaced by G.
Protein change: p.Gln6432Arg; replaces glutamine 6432 with arginine.
Molecular consequence: missense variant.
Genome position (GRCh38, 1-based): chr2:151,560,611, T>C on the plus strand (A>G on the coding strand, the complement: NEB is on the minus strand). VCF-style: chr2-151560611-T-C. GRCh37 (hg19) VCF-style: chr2-152417125-T-C.
Other names: c.19295A>G, p.Gln6432Arg (NM_001164507.2, NM_001271208.2); c.14192A>G, p.Gln4731Arg (NM_004543.5); short protein forms Q4731R, Q6432R.
Identifiers: ClinVar variation 287802 (VCV000287802.17), dbSNP rs189912759, ClinGen allele CA1907701.
Genomic context (GRCh38, chr2:151,560,611, plus strand): 5'-GAGGGAGGGTGGGAAAGCTGTCATGTTTTTGCTTTACTTACATGGCTGGCCAGATGCTTC[T>C]GGTTCTTGGCGTGTGTCAGGGACAAGGTGCTGGAAGGCAGGATGTAGCTGGTGGCTTTCA-3'
Protein context (NP_001157980.2, residues 6422-6442): STLSLTHAKN[Gln6432Arg]KHLASHIKYR

ClinVar aggregate classification (germline): Benign/Likely benign. Review status: criteria provided, multiple submitters, no conflicts (2 of 4 stars). 4 submissions from 4 submitters: Benign (2); Likely benign (2). Last evaluated 2026-01-31.

Conditions:
Nemaline myopathy 2 (NEM2). Also called: Nemaline myopathy 2, autosomal recessive. Identifiers: MedGen C1850569, MONDO:0009725, OMIM 256030.

Allele frequency attached by ClinVar (database versions not stated): gnomAD exomes 0.00009 and 0.00045; gnomAD 0.00019 and 0.00025; TOPMed 0.00026; ExAC 0.00048; 1000 Genomes Project 30x 0.00156; 1000 Genomes Project 0.00160.
gnomAD v4.1: 250 of 1,611,910 alleles (0.016%); highest among the groups gnomAD compares: East Asian, 0.35%; 2 homozygotes.

Submissions (4):

Labcorp Genetics (formerly Invitae), Labcorp
Classification: Benign for Nemaline myopathy 2. Last evaluated: 2026-01-31. Review status: criteria provided, single submitter. Criteria: Invitae Variant Classification Sherloc (09022015). Collection method: clinical testing. Allele origin: germline.

Blueprint Genetics
Classification: Likely benign. Last evaluated: 2024-11-06. Review status: criteria provided, single submitter. Criteria: ACMG Guidelines, 2015. Collection method: clinical testing. Allele origin: germline.

GeneDx
Classification: Benign. Last evaluated: 2021-05-05. Review status: criteria provided, single submitter. Criteria: GeneDx Variant Classification Process June 2021. Collection method: clinical testing. Allele origin: germline. Affected: yes.
Comment: This variant is associated with the following publications: (PMID: 29868109)

Eurofins Ntd Llc (ga)
Classification: Likely benign. Last evaluated: 2016-04-27. Review status: criteria provided, single submitter. Criteria: EGL Classification Definitions 2015. Collection method: clinical testing. Allele origin: germline. Observed: 1 variant allele, 1 heterozygote.